The following is an entry in ClinVar:

ClinVar aggregate classification (germline): Benign. Review status: criteria provided, multiple submitters, no conflicts (2 of 4 stars). 3 submissions from 3 submitters: Benign (2). 1 of the submissions does not count toward it. Last evaluated 2026-02-02.

Conditions:
GUF1-related disorder. Also called: GUF1-related condition.

Allele frequency attached by ClinVar (database versions not stated): ESP Exome Variant Server 0.00054; gnomAD exomes 0.00345 and 0.01479; gnomAD 0.00615 and 0.00631; ExAC 0.01101; TOPMed 0.01110; 1000 Genomes Project 0.01198; 1000 Genomes Project 30x 0.01249.
gnomAD v4.1: 5,914 of 1,594,700 alleles (0.37%); highest among the groups gnomAD compares: Admixed American, 8.8%; 314 homozygotes.

Submissions (40):

Labcorp Genetics (formerly Invitae), Labcorp
Classification: Benign. Last evaluated: 2026-02-02. Review status: criteria provided, single submitter. Criteria: Invitae Variant Classification Sherloc (09022015). Collection method: clinical testing. Allele origin: germline.

Breakthrough Genomics
Classification: Benign. Review status: criteria provided, single submitter. Criteria: ACMG Guidelines, 2015. Collection method: not provided. Allele origin: germline. Inheritance: Autosomal recessive inheritance. Affected: yes.

PreventionGenetics, part of Exact Sciences
Classification: Benign for GUF1-related condition. Last evaluated: 2019-12-05. Review status: no assertion criteria provided. Collection method: clinical testing. Allele origin: germline. Not counted in ClinVar's aggregate classification.
Comment: This variant is classified as benign based on ACMG/AMP sequence variant interpretation guidelines (Richards et al. 2015 PMID: 25741868, with internal and published modifications).

Dr. Peter K. Rogan Lab, Western University
No classification provided (evidence only). Condition: Malignant tumor of urinary bladder. Review status: no classification provided. Collection method: in vitro. Allele origin: not applicable. Functional consequence: skipped exon. Not counted in ClinVar's aggregate classification.

Dr. Peter K. Rogan Lab, Western University
No classification provided (evidence only). Condition: Clear cell carcinoma of kidney. Review status: no classification provided. Collection method: in vitro. Allele origin: not applicable. Functional consequence: skipped exon. Not counted in ClinVar's aggregate classification.

Dr. Peter K. Rogan Lab, Western University
No classification provided (evidence only). Condition: Clear cell carcinoma of kidney. Review status: no classification provided. Collection method: in vitro. Allele origin: not applicable. Functional consequence: skipped exon, retained intron. Not counted in ClinVar's aggregate classification.

Dr. Peter K. Rogan Lab, Western University
No classification provided (evidence only). Condition: Clear cell carcinoma of kidney. Review status: no classification provided. Collection method: in vitro. Allele origin: not applicable. Functional consequence: skipped exon. Not counted in ClinVar's aggregate classification.

Dr. Peter K. Rogan Lab, Western University
No classification provided (evidence only). Condition: Papillary renal cell carcinoma type 1. Review status: no classification provided. Collection method: in vitro. Allele origin: not applicable. Functional consequence: skipped exon, retained intron. Not counted in ClinVar's aggregate classification.

Dr. Peter K. Rogan Lab, Western University
No classification provided (evidence only). Condition: Melanoma. Review status: no classification provided. Collection method: in vitro. Allele origin: not applicable. Functional consequence: skipped exon. Not counted in ClinVar's aggregate classification.

Dr. Peter K. Rogan Lab, Western University
No classification provided (evidence only). Condition: Familial cancer of breast. Review status: no classification provided. Collection method: in vitro. Allele origin: not applicable. Functional consequence: skipped exon. Not counted in ClinVar's aggregate classification.

Dr. Peter K. Rogan Lab, Western University
No classification provided (evidence only). Condition: Familial cancer of breast. Review status: no classification provided. Collection method: in vitro. Allele origin: not applicable. Functional consequence: skipped exon. Not counted in ClinVar's aggregate classification.

Dr. Peter K. Rogan Lab, Western University
No classification provided (evidence only). Condition: Familial cancer of breast. Review status: no classification provided. Collection method: in vitro. Allele origin: not applicable. Functional consequence: skipped exon, retained intron. Not counted in ClinVar's aggregate classification.

Dr. Peter K. Rogan Lab, Western University
No classification provided (evidence only). Condition: Familial cancer of breast. Review status: no classification provided. Collection method: in vitro. Allele origin: not applicable. Functional consequence: skipped exon, retained intron. Not counted in ClinVar's aggregate classification.

Dr. Peter K. Rogan Lab, Western University
No classification provided (evidence only). Condition: Familial cancer of breast. Review status: no classification provided. Collection method: in vitro. Allele origin: not applicable. Functional consequence: skipped exon. Not counted in ClinVar's aggregate classification.

Dr. Peter K. Rogan Lab, Western University
No classification provided (evidence only). Condition: Colon adenocarcinoma. Review status: no classification provided. Collection method: in vitro. Allele origin: not applicable. Functional consequence: skipped exon. Not counted in ClinVar's aggregate classification.

Dr. Peter K. Rogan Lab, Western University
No classification provided (evidence only). Condition: Colorectal cancer. Review status: no classification provided. Collection method: in vitro. Allele origin: not applicable. Functional consequence: skipped exon. Not counted in ClinVar's aggregate classification.

Dr. Peter K. Rogan Lab, Western University
No classification provided (evidence only). Condition: Thyroid cancer, nonmedullary, 1. Review status: no classification provided. Collection method: in vitro. Allele origin: not applicable. Functional consequence: skipped exon, retained intron. Not counted in ClinVar's aggregate classification.

Dr. Peter K. Rogan Lab, Western University
No classification provided (evidence only). Condition: Thyroid cancer, nonmedullary, 1. Review status: no classification provided. Collection method: in vitro. Allele origin: not applicable. Functional consequence: skipped exon. Not counted in ClinVar's aggregate classification.

Dr. Peter K. Rogan Lab, Western University
No classification provided (evidence only). Condition: Thyroid cancer, nonmedullary, 1. Review status: no classification provided. Collection method: in vitro. Allele origin: not applicable. Functional consequence: skipped exon. Not counted in ClinVar's aggregate classification.

Dr. Peter K. Rogan Lab, Western University
No classification provided (evidence only). Condition: Thyroid cancer, nonmedullary, 1. Review status: no classification provided. Collection method: in vitro. Allele origin: not applicable. Functional consequence: skipped exon. Not counted in ClinVar's aggregate classification.

Dr. Peter K. Rogan Lab, Western University
No classification provided (evidence only). Condition: Cervical cancer. Review status: no classification provided. Collection method: in vitro. Allele origin: not applicable. Functional consequence: skipped exon. Not counted in ClinVar's aggregate classification.

Dr. Peter K. Rogan Lab, Western University
No classification provided (evidence only). Condition: Cervical cancer. Review status: no classification provided. Collection method: in vitro. Allele origin: not applicable. Functional consequence: skipped exon, retained intron. Not counted in ClinVar's aggregate classification.

Dr. Peter K. Rogan Lab, Western University
No classification provided (evidence only). Condition: Cervical cancer. Review status: no classification provided. Collection method: in vitro. Allele origin: not applicable. Functional consequence: skipped exon, retained intron. Not counted in ClinVar's aggregate classification.

Dr. Peter K. Rogan Lab, Western University
No classification provided (evidence only). Condition: Cervical cancer. Review status: no classification provided. Collection method: in vitro. Allele origin: not applicable. Functional consequence: skipped exon. Not counted in ClinVar's aggregate classification.

Dr. Peter K. Rogan Lab, Western University
No classification provided (evidence only). Condition: Cervical cancer. Review status: no classification provided. Collection method: in vitro. Allele origin: not applicable. Functional consequence: skipped exon. Not counted in ClinVar's aggregate classification.

Dr. Peter K. Rogan Lab, Western University
No classification provided (evidence only). Condition: Cervical cancer. Review status: no classification provided. Collection method: in vitro. Allele origin: not applicable. Functional consequence: skipped exon. Not counted in ClinVar's aggregate classification.

Dr. Peter K. Rogan Lab, Western University
No classification provided (evidence only). Condition: Cervical cancer. Review status: no classification provided. Collection method: in vitro. Allele origin: not applicable. Functional consequence: skipped exon. Not counted in ClinVar's aggregate classification.

Dr. Peter K. Rogan Lab, Western University
No classification provided (evidence only). Condition: Cervical cancer. Review status: no classification provided. Collection method: in vitro. Allele origin: not applicable. Functional consequence: skipped exon, retained intron. Not counted in ClinVar's aggregate classification.

Dr. Peter K. Rogan Lab, Western University
No classification provided (evidence only). Condition: Cervical cancer. Review status: no classification provided. Collection method: in vitro. Allele origin: not applicable. Functional consequence: skipped exon. Not counted in ClinVar's aggregate classification.

Dr. Peter K. Rogan Lab, Western University
No classification provided (evidence only). Condition: Cervical cancer. Review status: no classification provided. Collection method: in vitro. Allele origin: not applicable. Functional consequence: skipped exon. Not counted in ClinVar's aggregate classification.

Dr. Peter K. Rogan Lab, Western University
No classification provided (evidence only). Condition: Sarcoma. Review status: no classification provided. Collection method: in vitro. Allele origin: not applicable. Functional consequence: skipped exon. Not counted in ClinVar's aggregate classification.

Dr. Peter K. Rogan Lab, Western University
No classification provided (evidence only). Condition: Sarcoma. Review status: no classification provided. Collection method: in vitro. Allele origin: not applicable. Functional consequence: skipped exon. Not counted in ClinVar's aggregate classification.

Dr. Peter K. Rogan Lab, Western University
No classification provided (evidence only). Condition: Thymoma. Review status: no classification provided. Collection method: in vitro. Allele origin: not applicable. Functional consequence: skipped exon. Not counted in ClinVar's aggregate classification.

Dr. Peter K. Rogan Lab, Western University
No classification provided (evidence only). Condition: Thymoma. Review status: no classification provided. Collection method: in vitro. Allele origin: not applicable. Functional consequence: skipped exon, retained intron. Not counted in ClinVar's aggregate classification.

Dr. Peter K. Rogan Lab, Western University
No classification provided (evidence only). Condition: Gastric cancer. Review status: no classification provided. Collection method: in vitro. Allele origin: not applicable. Functional consequence: retained intron. Not counted in ClinVar's aggregate classification.

Dr. Peter K. Rogan Lab, Western University
No classification provided (evidence only). Condition: Adrenocortical carcinoma, hereditary. Review status: no classification provided. Collection method: in vitro. Allele origin: not applicable. Functional consequence: skipped exon. Not counted in ClinVar's aggregate classification.

Dr. Peter K. Rogan Lab, Western University
No classification provided (evidence only). Condition: Malignant tumor of esophagus. Review status: no classification provided. Collection method: in vitro. Allele origin: not applicable. Functional consequence: skipped exon. Not counted in ClinVar's aggregate classification.

Dr. Peter K. Rogan Lab, Western University
No classification provided (evidence only). Condition: Chronic lymphocytic leukemia/small lymphocytic lymphoma. Review status: no classification provided. Collection method: in vitro. Allele origin: not applicable. Functional consequence: skipped exon, retained intron. Not counted in ClinVar's aggregate classification.

Dr. Peter K. Rogan Lab, Western University
No classification provided (evidence only). Condition: Hepatocellular carcinoma. Review status: no classification provided. Collection method: in vitro. Allele origin: not applicable. Functional consequence: skipped exon, retained intron. Not counted in ClinVar's aggregate classification.

Dr. Peter K. Rogan Lab, Western University
No classification provided (evidence only). Condition: Hepatocellular carcinoma. Review status: no classification provided. Collection method: in vitro. Allele origin: not applicable. Functional consequence: skipped exon, retained intron. Not counted in ClinVar's aggregate classification.

NM_021927.3(GUF1):c.734+1G>A

Gene: GUF1 (GTP binding elongation factor GUF1; plus strand). Cytogenetic location: 4p12.
Variant type: single nucleotide variant.
Coding change: c.734+1G>A on transcript NM_021927.3 (MANE Select); the canonical splice donor site of the intron after coding-DNA position 734, G replaced by A.
Molecular consequence: splice donor variant.
Genome position (GRCh38, 1-based): chr4:44,686,024, G>A. VCF-style: chr4-44686024-G-A. GRCh37 (hg19) VCF-style: chr4-44688041-G-A.
Other names: c.734+1G>A (NM_021927.2, NM_001345868.2); c.-239+1G>A (NM_001345867.2, NM_001345869.2).
Identifiers: ClinVar variation 1627617 (VCV001627617.12), dbSNP rs141526764, ClinGen allele CA2905413.
Genomic context (GRCh38, chr4:44,686,024, plus strand): 5'-TGCTAAACTTGGAACAAATGTTGAGAGTGTTCTTCAGGCAATTATTGAAAGAATCCCCCC[G>A]TGAGTATTTGGTGATTTTTGTACTAGTTGTCTCTATTTAATAGTTCAAAAACTGTCCATG-3'